The following is an entry in ClinVar:

ClinVar aggregate classification (germline): Uncertain significance. Review status: criteria provided, multiple submitters, no conflicts (2 of 4 stars). 2 submissions from 2 submitters: Uncertain significance (2). Last evaluated 2024-12-21.

Conditions:
Inborn genetic diseases. Identifiers: MedGen C0950123, MeSH D030342.
Baller-Gerold syndrome (BGS). Also called: CRANIOSYNOSTOSIS WITH RADIAL DEFECTS. Identifiers: Orphanet 1225, MedGen C0265308, MONDO:0009039, OMIM 218600.

Allele frequency attached by ClinVar (database versions not stated): ExAC 0.00001; gnomAD exomes 0.00001 and 0.00002; TOPMed 0.00001; gnomAD 0.00002.
gnomAD v4.1: 33 of 1,603,138 alleles (0.0021%); highest among the groups gnomAD compares: Non-Finnish European, 0.0027%; no homozygotes.

Submissions (2):

Ambry Genetics
Classification: Uncertain significance for Inborn genetic diseases. Last evaluated: 2024-12-21. Review status: criteria provided, single submitter. Criteria: Ambry Variant Classification Scheme 2023. Collection method: clinical testing. Allele origin: germline.
Comment: The p.E74G variant (also known as c.221A>G), located in coding exon 4 of the RECQL4 gene, results from an A to G substitution at nucleotide position 221. The glutamic acid at codon 74 is replaced by glycine, an amino acid with similar properties. This amino acid position is conserved. In addition, the in silico prediction for this alteration is inconclusive. Based on the available evidence, the clinical significance of this variant remains unclear.

Labcorp Genetics (formerly Invitae), Labcorp
Classification: Uncertain significance for Baller-Gerold syndrome. Last evaluated: 2024-11-02. Review status: criteria provided, single submitter. Criteria: Invitae Variant Classification Sherloc (09022015). Collection method: clinical testing. Allele origin: germline.
Comment: This sequence change replaces glutamic acid, which is acidic and polar, with glycine, which is neutral and non-polar, at codon 74 of the RECQL4 protein (p.Glu74Gly). This variant is present in population databases (rs759778382, gnomAD 0.002%). This variant has not been reported in the literature in individuals affected with RECQL4-related conditions. ClinVar contains an entry for this variant (Variation ID: 459389). Experimental studies and prediction algorithms are not available or were not evaluated, and the functional significance of this variant is currently unknown. In summary, the available evidence is currently insufficient to determine the role of this variant in disease. Therefore, it has been classified as a Variant of Uncertain Significance.

NM_004260.4(RECQL4):c.221A>G (p.Glu74Gly)

Gene: RECQL4 (RecQ like helicase 4; minus strand). Cytogenetic location: 8q24.3.
Variant type: single nucleotide variant.
Coding change: c.221A>G on transcript NM_004260.4 (MANE Select); coding-DNA position 221, A replaced by G.
Protein change: p.Glu74Gly; replaces glutamic acid 74 with glycine.
Molecular consequence: missense variant.
Genome position (GRCh38, 1-based): chr8:144,517,183, T>C on the plus strand (A>G on the coding strand, the complement: RECQL4 is on the minus strand). VCF-style: chr8-144517183-T-C. GRCh37 (hg19) VCF-style: chr8-145742567-T-C.
Other names: short protein forms E74G.
Identifiers: ClinVar variation 459389 (VCV000459389.7), dbSNP rs759778382, ClinGen allele CA4949418.